The following is an entry in ClinVar:

ClinVar aggregate classification (germline): Uncertain significance (1 of 4 stars; one submission).

Conditions:
Hereditary pancreatitis (PCTT). Also called: PRSS1-Related Hereditary Pancreatitis; Hereditary chronic pancreatitis. Identifiers: Orphanet 676, MedGen C0238339, MONDO:0008185, OMIM 167800.

Allele frequency attached by ClinVar (database versions not stated): gnomAD 0.00001.
gnomAD v4.1: 1 of 1,613,544 alleles (0.000062%); highest among the groups gnomAD compares: African/African-American, 0.0013%; no homozygotes.

Submission:

Ambry Genetics
Classification: Uncertain significance for Hereditary pancreatitis. Last evaluated: 2023-07-12. Review status: criteria provided, single submitter. Criteria: Ambry Variant Classification Scheme 2023. Collection method: clinical testing. Allele origin: germline.
Comment: The p.A11V variant (also known as c.32C>T), located in coding exon 1 of the SPINK1 gene, results from a C to T substitution at nucleotide position 32. The alanine at codon 11 is replaced by valine, an amino acid with similar properties. This amino acid position is conserved. In addition, this alteration is predicted to be tolerated by in silico analysis. Since supporting evidence is limited at this time, the clinical significance of this alteration remains unclear.

NM_001379610.1(SPINK1):c.32C>T (p.Ala11Val)

Gene: SPINK1 (serine peptidase inhibitor Kazal type 1; minus strand). Cytogenetic location: 5q32.
Variant type: single nucleotide variant.
Coding change: c.32C>T on transcript NM_001379610.1 (MANE Select); coding-DNA position 32, C replaced by T.
Protein change: p.Ala11Val; replaces alanine 11 with valine.
Molecular consequence: missense variant.
Genome position (GRCh38, 1-based): chr5:147,831,546, G>A on the plus strand (C>T on the coding strand, the complement: SPINK1 is on the minus strand). VCF-style: chr5-147831546-G-A. GRCh37 (hg19) VCF-style: chr5-147211109-G-A.
Other names: c.32C>T, p.Ala11Val (NM_001354966.2, NM_003122.5); short protein forms A11V.
Identifiers: ClinVar variation 2626715 (VCV002626715.2), dbSNP rs1208155443, ClinGen allele CA361885524.